The following is an entry in ClinVar:

ClinVar aggregate classification (germline): Likely benign. Review status: criteria provided, single submitter (1 of 4 stars). 2 submissions from 2 submitters: Likely benign (1). 1 of the submissions does not count toward it. Last evaluated 2022-06-13.

Conditions:
SP7-related disorder. Also called: SP7-related condition.

Allele frequency attached by ClinVar (database versions not stated): gnomAD exomes below 0.00001; ExAC 0.00001; TOPMed 0.00002; gnomAD 0.00004.

Submissions (2):

Labcorp Genetics (formerly Invitae), Labcorp
Classification: Likely benign. Last evaluated: 2022-06-13. Review status: criteria provided, single submitter. Criteria: Invitae Variant Classification Sherloc (09022015). Collection method: clinical testing. Allele origin: germline.

PreventionGenetics, part of Exact Sciences
Classification: Likely benign for SP7-related condition. Last evaluated: 2020-10-14. Review status: no assertion criteria provided. Collection method: clinical testing. Allele origin: germline. Not counted in ClinVar's aggregate classification.
Comment: This variant is classified as likely benign based on ACMG/AMP sequence variant interpretation guidelines (Richards et al. 2015 PMID: 25741868, with internal and published modifications).

NM_001173467.3(SP7):c.1056G>A (p.Lys352=)

Gene: SP7 (Sp7 transcription factor; minus strand). Cytogenetic location: 12q13.13.
Variant type: single nucleotide variant.
Coding change: c.1056G>A on transcript NM_001173467.3 (MANE Select); coding-DNA position 1056, G replaced by A.
Protein change: p.Lys352=; no amino-acid change (lysine 352 retained).
Molecular consequence: synonymous variant.
Genome position (GRCh38, 1-based): chr12:53,328,386, C>T on the plus strand (G>A on the coding strand, the complement: SP7 is on the minus strand). VCF-style: chr12-53328386-C-T. GRCh37 (hg19) VCF-style: chr12-53722170-C-T.
Other names: c.1056G>A (NM_001173467.2); c.1002G>A, p.Lys334= (NM_001300837.2); c.1056G>A, p.Lys352= (NM_152860.2).
Identifiers: ClinVar variation 1950356 (VCV001950356.7), dbSNP rs372588044, ClinGen allele CA6599469.